The following is an entry in ClinVar:

NM_001429.4(EP300):c.4979C>T (p.Thr1660Met)

Gene: EP300 (E1A binding protein p300; plus strand). Cytogenetic location: 22q13.2.
Variant type: single nucleotide variant.
Coding change: c.4979C>T on transcript NM_001429.4 (MANE Select); coding-DNA position 4979, C replaced by T.
Protein change: p.Thr1660Met; replaces threonine 1660 with methionine.
Molecular consequence: missense variant.
Genome position (GRCh38, 1-based): chr22:41,176,446, C>T. VCF-style: chr22-41176446-C-T. GRCh37 (hg19) VCF-style: chr22-41572450-C-T.
Other names: c.4901C>T, p.Thr1634Met (NM_001362843.2); short protein forms T1634M, T1660M.
Identifiers: ClinVar variation 1676880 (VCV001676880.3), dbSNP rs2145513499, ClinGen allele CA411707533.

ClinVar aggregate classification (germline): Uncertain significance (1 of 4 stars; one submission).

Allele frequency attached by ClinVar (database versions not stated): gnomAD exomes below 0.00001.
gnomAD v4.1: 8 of 1,614,204 alleles (0.0005%); highest among the groups gnomAD compares: South Asian, 0.0011%; no homozygotes.

Submission:

GeneDx
Classification: Uncertain significance. Last evaluated: 2023-03-09. Review status: criteria provided, single submitter. Criteria: GeneDx Variant Classification Process June 2021. Collection method: clinical testing. Allele origin: germline. Affected: yes.
Comment: In silico analysis supports that this missense variant has a deleterious effect on protein structure/function; Has not been previously published as pathogenic or benign to our knowledge